The following is an entry in ClinVar:

NM_173543.3(DZIP1L):c.341G>A (p.Arg114Gln)

Gene: DZIP1L (DAZ interacting zinc finger protein 1 like; minus strand). Cytogenetic location: 3q22.3.
Variant type: single nucleotide variant.
Coding change: c.341G>A on transcript NM_173543.3 (MANE Select); coding-DNA position 341, G replaced by A.
Protein change: p.Arg114Gln; replaces arginine 114 with glutamine.
Molecular consequence: missense variant.
Genome position (GRCh38, 1-based): chr3:138,103,631, C>T on the plus strand (G>A on the coding strand, the complement: DZIP1L is on the minus strand). VCF-style: chr3-138103631-C-T. GRCh37 (hg19) VCF-style: chr3-137822473-C-T.
Other names: c.341G>A, p.Arg114Gln (NM_001170538.1); short protein forms R114Q.
Identifiers: ClinVar variation 3677402 (VCV003677402.2).
Genomic context (GRCh38, chr3:138,103,631, plus strand): 5'-TCAGCCTGGCGTCCCAGCTCCTGCTGACCACGCTGCTGCTGGCCCAGGCTGGTCTGCAGC[C>T]GTGCCTCCAGCTGGGCAACACTGGCACTCAGGCAATCCTGGCAGTGCAGCAGGTACTCAA-3'
Protein context (NP_775814.2, residues 104-124): LSASVAQLEA[Arg114Gln]LQTSLGQQQR

ClinVar aggregate classification (germline): Uncertain significance (1 of 4 stars; one submission).

gnomAD v4.1: 9 of 1,606,822 alleles (0.00056%); highest among the groups gnomAD compares: East Asian, 0.0089%; no homozygotes.

Submission:

Labcorp Genetics (formerly Invitae), Labcorp
Classification: Uncertain significance. Last evaluated: 2024-06-25. Review status: criteria provided, single submitter. Criteria: Invitae Variant Classification Sherloc (09022015). Collection method: clinical testing. Allele origin: germline.
Comment: This sequence change replaces arginine, which is basic and polar, with glutamine, which is neutral and polar, at codon 114 of the DZIP1L protein (p.Arg114Gln). The frequency data for this variant in the population databases is considered unreliable, as metrics indicate poor data quality at this position in the gnomAD database. This variant has not been reported in the literature in individuals affected with DZIP1L-related conditions. Algorithms developed to predict the effect of missense changes on protein structure and function output the following: SIFT: "Not Available"; PolyPhen-2: "Benign"; Align-GVGD: "Not Available". The glutamine amino acid residue is found in multiple mammalian species, which suggests that this missense change does not adversely affect protein function. In summary, the available evidence is currently insufficient to determine the role of this variant in disease. Therefore, it has been classified as a Variant of Uncertain Significance.